The following is an entry in ClinVar:

ClinVar aggregate classification (germline): Likely benign. Review status: reviewed by expert panel (3 of 4 stars). 4 submissions from 4 submitters: Likely benign (1). 3 of the submissions do not count toward it. Last evaluated 2025-08-29.

Conditions:
Monogenic diabetes. Identifiers: Orphanet 183625, MedGen C3888631, MONDO:0015967.

Allele frequency attached by ClinVar (database versions not stated): gnomAD 0.00001.
gnomAD v4.1: 18 of 1,613,924 alleles (0.0011%); highest among the groups gnomAD compares: Non-Finnish European, 0.0015%; no homozygotes.

Submissions (4):

ClinGen Monogenic Diabetes Variant Curation Expert Panel
Classification: Likely benign for Monogenic diabetes. Last evaluated: 2025-08-29. Review status: reviewed by expert panel. Criteria: ClinGen Diabetes ACMG Specifications HNF1A V3.0.0. Collection method: curation. Allele origin: germline. Inheritance: Autosomal dominant inheritance.
Comment: The c.1521C>A variant in the HNF1 homeobox A gene, HNF1A, is a synonymous (silent) variant at codon 507 (p.Pro507=) of NM_000545.8. The Grpmax filtering allele frequency of the c.1521C>A variant in gnomAD v4.1.0 is 0.00000953, which falls between ClinGen MDEP-established cutoffs for PM2_Supporting and BS1; thus, neither criterion will be applied. This synonymous variant is not predicted by SpliceAI to impact splicing (SpliceAI score of 0.03, which is less than the MDEP cutoff of 0.2) and is not highly conserved (phyloP100way score of -4.291), which is below the MDEP cutoff of 2.0) (BP4, BP7). This variant was identified in an individual with diabetes; however, the calculated MODY probability is <50%, therefore PP4 cannot be applied and PS4_Moderate cannot be applied because this number is below the ClinGen MDEP threshold (internal lab contributors). In summary, c.1521C>A meets the criteria to be classified as likely benign for monogenic diabetes. ACMG/AMP criteria applied, as specified by the ClinGen MDEP VCEP (specification version 3.0.0, approved 6/30/2025): BP4, BP7.

Labcorp Genetics (formerly Invitae), Labcorp
Classification: Likely benign. Last evaluated: 2025-12-26. Review status: criteria provided, single submitter. Criteria: Invitae Variant Classification Sherloc (09022015). Collection method: clinical testing. Allele origin: germline. Not counted in ClinVar's aggregate classification.

Women's Health and Genetics/Laboratory Corporation of America, LabCorp
Classification: Likely benign. Last evaluated: 2024-12-06. Review status: criteria provided, single submitter. Criteria: LabCorp Variant Classification Summary - May 2015. Collection method: clinical testing. Allele origin: germline. Not counted in ClinVar's aggregate classification.

Blueprint Genetics
Classification: Likely benign. Last evaluated: 2021-08-16. Review status: criteria provided, single submitter. Criteria: ACMG Guidelines, 2015. Collection method: clinical testing. Allele origin: germline. Not counted in ClinVar's aggregate classification.

NM_000545.8(HNF1A):c.1521C>A (p.Pro507=)

Gene: HNF1A (HNF1 homeobox A; plus strand). Cytogenetic location: 12q24.31.
Variant type: single nucleotide variant.
Coding change: c.1521C>A on transcript NM_000545.8 (MANE Select); coding-DNA position 1521, C replaced by A.
Protein change: p.Pro507=; no amino-acid change (proline 507 retained).
Molecular consequence: synonymous variant.
Genome position (GRCh38, 1-based): chr12:120,999,287, C>A. VCF-style: chr12-120999287-C-A. GRCh37 (hg19) VCF-style: chr12-121437090-C-A.
Other names: NM_001306179.2:c.1521C>A; c.1521C>A, p.Pro507= (NM_001306179.2); c.1329C>A, p.Pro443= (NM_001406915.1).
Identifiers: ClinVar variation 1699999 (VCV001699999.7), dbSNP rs977750039, ClinGen allele CA386971639.